The following is an entry in ClinVar:

NM_024753.5(TTC21B):c.901C>T (p.Arg301Cys)

Gene: TTC21B (tetratricopeptide repeat domain 21B; minus strand). Cytogenetic location: 2q24.3.
Variant type: single nucleotide variant.
Coding change: c.901C>T on transcript NM_024753.5 (MANE Select); coding-DNA position 901, C replaced by T.
Protein change: p.Arg301Cys; replaces arginine 301 with cysteine.
Molecular consequence: missense variant.
Genome position (GRCh38, 1-based): chr2:165,930,358, G>A on the plus strand (C>T on the coding strand, the complement: TTC21B is on the minus strand). VCF-style: chr2-165930358-G-A. GRCh37 (hg19) VCF-style: chr2-166786868-G-A.
Other names: short protein forms R301C.
Identifiers: ClinVar variation 583234 (VCV000583234.11), dbSNP rs1437304335, ClinGen allele CA349067004.

ClinVar aggregate classification (germline): Conflicting classifications of pathogenicity. Review status: criteria provided, conflicting classifications (1 of 4 stars). 4 submissions from 4 submitters: Likely pathogenic (1); Uncertain significance (3). Last evaluated 2024-06-25.

Conditions:
Asphyxiating thoracic dystrophy 4 (SRTD4). Also called: SHORT-RIB THORACIC DYSPLASIA 4 WITH OR WITHOUT POLYDACTYLY; SHORT-RIB THORACIC DYSPLASIA 4. Identifiers: Orphanet 474, MedGen C3151185, MONDO:0013441, OMIM 613819.
Nephronophthisis 12 (NPHP12). Identifiers: Orphanet 655, MedGen C3151186, MONDO:0013442, OMIM 613820.
Jeune thoracic dystrophy. Also called: Infantile thoracic dystrophy; Thoracic pelvic phalangeal dystrophy; Jeune syndrome; Jeune's syndrome; Chondroectodermal dysplasia-like syndrome; Short-rib thoracic dysplasia. Identifiers: Orphanet 474, MedGen C0265275, MONDO:0018770.
Nephronophthisis. Also called: Juvenile Nephronophthisis. Identifiers: Orphanet 655, MedGen C0687120, MONDO:0019005, HP:0000090.
Connective tissue disorder. Also called: Connective tissue disease. Identifiers: MedGen C0009782, MONDO:0003900.

Allele frequency attached by ClinVar (database versions not stated): TOPMed 0.00001.

Submissions (4):

Fulgent Genetics
Classification: Uncertain significance for Asphyxiating thoracic dystrophy 4; Nephronophthisis 12. Last evaluated: 2024-06-25. Review status: criteria provided, single submitter. Criteria: ACMG Guidelines, 2015. Collection method: clinical testing. Allele origin: germline.

Labcorp Genetics (formerly Invitae), Labcorp
Classification: Uncertain significance for Jeune thoracic dystrophy; Nephronophthisis. Last evaluated: 2023-10-11. Review status: criteria provided, single submitter. Criteria: Invitae Variant Classification Sherloc (09022015). Collection method: clinical testing. Allele origin: germline.
Comment: This sequence change replaces arginine, which is basic and polar, with cysteine, which is neutral and slightly polar, at codon 301 of the TTC21B protein (p.Arg301Cys). This variant is not present in population databases (gnomAD no frequency). This missense change has been observed in individual(s) with nephronophthisis (PMID: 26489029). ClinVar contains an entry for this variant (Variation ID: 583234). Advanced modeling of protein sequence and biophysical properties (such as structural, functional, and spatial information, amino acid conservation, physicochemical variation, residue mobility, and thermodynamic stability) has been performed at Invitae for this missense variant, however the output from this modeling did not meet the statistical confidence thresholds required to predict the impact of this variant on TTC21B protein function. In summary, the available evidence is currently insufficient to determine the role of this variant in disease. Therefore, it has been classified as a Variant of Uncertain Significance.

GeneDx
Classification: Uncertain significance. Last evaluated: 2023-01-05. Review status: criteria provided, single submitter. Criteria: GeneDx Variant Classification Process June 2021. Collection method: clinical testing. Allele origin: germline. Affected: yes.
Comment: Not observed at significant frequency in large population cohorts (gnomAD); In silico analysis supports that this missense variant has a deleterious effect on protein structure/function; This variant is associated with the following publications: (PMID: 26489029)

Genome Diagnostics Laboratory, The Hospital for Sick Children
Classification: Likely pathogenic for Connective tissue disorder. Last evaluated: 2022-04-04. Review status: criteria provided, single submitter. Criteria: ACMG Guidelines, 2015. Collection method: clinical testing. Allele origin: germline.

Literature cited by the submitters: PubMed 26489029 (cited by Labcorp Genetics (formerly Invitae), Labcorp).